The following is an entry in ClinVar:

ClinVar aggregate classification (germline): Uncertain significance (1 of 4 stars; one submission).

Submission:

Labcorp Genetics (formerly Invitae), Labcorp
Classification: Uncertain significance. Last evaluated: 2020-12-16. Review status: criteria provided, single submitter. Criteria: Invitae Variant Classification Sherloc (09022015). Collection method: clinical testing. Allele origin: germline.
Comment: In summary, the available evidence is currently insufficient to determine the role of this variant in disease. Therefore, it has been classified as a Variant of Uncertain Significance. Algorithms developed to predict the effect of missense changes on protein structure and function are either unavailable or do not agree on the potential impact of this missense change (SIFT: "Deleterious"; PolyPhen-2: "Probably Damaging"; Align-GVGD: "Class C0"). This variant has not been reported in the literature in individuals with TUBGCP6-related conditions. This variant is not present in population databases (ExAC no frequency). This sequence change replaces aspartic acid with tyrosine at codon 87 of the TUBGCP6 protein (p.Asp87Tyr). The aspartic acid residue is moderately conserved and there is a large physicochemical difference between aspartic acid and tyrosine.

NM_020461.4(TUBGCP6):c.259G>T (p.Asp87Tyr)

Gene: TUBGCP6 (tubulin gamma complex component 6; minus strand). Cytogenetic location: 22q13.33.
Variant type: single nucleotide variant.
Coding change: c.259G>T on transcript NM_020461.4 (MANE Select); coding-DNA position 259, G replaced by T.
Protein change: p.Asp87Tyr; replaces aspartic acid 87 with tyrosine.
Molecular consequence: missense variant.
Genome position (GRCh38, 1-based): chr22:50,244,201, C>A on the plus strand (G>T on the coding strand, the complement: TUBGCP6 is on the minus strand). VCF-style: chr22-50244201-C-A. GRCh37 (hg19) VCF-style: chr22-50682630-C-A.
Other names: short protein forms D87Y.
Identifiers: ClinVar variation 1478724 (VCV001478724.8), dbSNP rs1049125773, ClinGen allele CA325485675.
Genomic context (GRCh38, chr22:50,244,201, plus strand): 5'-CCTCCAAAAGCGGACAGCAAGGGGCTGCTTCCAGCTCCTCCACAAGCTCCTCCAAACGGT[C>A]GGCCTTGGGGCCCAGGCCACCCACTCTCAAGTCAAAGGACAACATGAGGATCTTGTTTCT-3'
Protein context (NP_065194.3, residues 77-97): LRVGGLGPKA[Asp87Tyr]RLEELVEELE